The following is an entry in ClinVar:

ClinVar aggregate classification (germline): Uncertain significance (1 of 4 stars; one submission).

gnomAD v4.1: 1 of 1,613,930 alleles (0.000062%); highest among the groups gnomAD compares: Non-Finnish European, 0.000085%; no homozygotes.

Submission:

Labcorp Genetics (formerly Invitae), Labcorp
Classification: Uncertain significance. Last evaluated: 2024-07-08. Review status: criteria provided, single submitter. Criteria: Invitae Variant Classification Sherloc (09022015). Collection method: clinical testing. Allele origin: germline.
Comment: This sequence change replaces glutamic acid, which is acidic and polar, with valine, which is neutral and non-polar, at codon 38 of the FBXW7 protein (p.Glu38Val). This variant is not present in population databases (gnomAD no frequency). This variant has not been reported in the literature in individuals affected with FBXW7-related conditions. Experimental studies and prediction algorithms are not available or were not evaluated, and the functional significance of this variant is currently unknown. In summary, the available evidence is currently insufficient to determine the role of this variant in disease. Therefore, it has been classified as a Variant of Uncertain Significance.

NM_001349798.2(FBXW7):c.113A>T (p.Glu38Val)

Gene: FBXW7 (F-box and WD repeat domain containing 7; minus strand). Cytogenetic location: 4q31.3.
Variant type: single nucleotide variant.
Coding change: c.113A>T on transcript NM_001349798.2 (MANE Select); coding-DNA position 113, A replaced by T.
Protein change: p.Glu38Val; replaces glutamic acid 38 with valine.
Molecular consequence: missense variant.
Genome position (GRCh38, 1-based): chr4:152,411,691, T>A on the plus strand (A>T on the coding strand, the complement: FBXW7 is on the minus strand). VCF-style: chr4-152411691-T-A. GRCh37 (hg19) VCF-style: chr4-153332843-T-A.
Other names: c.113A>T, p.Glu38Val (NM_001257069.1, NM_033632.3); short protein forms E38V.
Identifiers: ClinVar variation 3658974 (VCV003658974.2).